The following is an entry in ClinVar:

ClinVar aggregate classification (germline): Likely benign (1 of 4 stars; one submission).

Submission:

Molecular Diagnostic Laboratory for Inherited Cardiovascular Disease, Montreal Heart Institute
Classification: Likely benign. Last evaluated: 2026-03-27. Review status: criteria provided, single submitter. Criteria: ACMG Guidelines, 2015. Collection method: clinical testing. Allele origin: germline. Affected: no.
Comment: PM2;BP1

NM_001267550.2(TTN):c.57633T>G (p.Asp19211Glu)

Genes: TTN (titin; minus strand), TTN-AS1 (TTN antisense RNA 1; plus strand). Cytogenetic location: 2q31.2.
Variant type: single nucleotide variant.
Coding change: c.57633T>G on transcript NM_001267550.2 (MANE Select); coding-DNA position 57633, T replaced by G.
Protein change: p.Asp19211Glu; replaces aspartic acid 19211 with glutamic acid.
Molecular consequence: missense variant.
Genome position (GRCh38, 1-based): chr2:178,595,721, A>C on the plus strand (T>G on the coding strand, the complement: TTN is on the minus strand). VCF-style: chr2-178595721-A-C. GRCh37 (hg19) VCF-style: chr2-179460448-A-C.
Other names: c.31014T>G, p.Asp10338Glu (NM_133437.4); c.52710T>G, p.Asp17570Glu (NM_001256850.1); c.30438T>G, p.Asp10146Glu (NM_003319.4); c.49929T>G, p.Asp16643Glu (NM_133378.4); c.30813T>G, p.Asp10271Glu (NM_133432.3); short protein forms D10146E, D10271E, D10338E, D16643E, D17570E, D19211E.
Identifiers: ClinVar variation 4820405 (VCV004820405.1).
Genomic context (GRCh38, chr2:178,595,721, plus strand): 5'-CCATGCTCTGCGGTCAGATTCACGCTTTTCAATGACATAATTGGTGATTGGAGAGCCTCC[A>C]TCATCTTCTGGAGAAAACCATGTCAGTTTGCAGGACTCATTGGTTAGGTTGTGAGCTAGG-3'
Protein context (NP_001254479.2, residues 19201-19221): CKLTWFSPED[Asp19211Glu]GGSPITNYVI